The following is an entry in ClinVar:

ClinVar aggregate classification (germline): Uncertain significance (1 of 4 stars; one submission).

Conditions:
Left ventricular noncompaction 1 (LVNC1). Also called: LEFT VENTRICULAR NONCOMPACTION 1 WITH OR WITHOUT CONGENITAL HEART DEFECTS. Identifiers: Orphanet 54260, MedGen C1858725, MONDO:0011403, OMIM 604169.

Submission:

Labcorp Genetics (formerly Invitae), Labcorp
Classification: Uncertain significance for Left ventricular noncompaction 1. Last evaluated: 2021-08-21. Review status: criteria provided, single submitter. Criteria: Invitae Variant Classification Sherloc (09022015). Collection method: clinical testing. Allele origin: germline.
Comment: This sequence change affects an acceptor splice site in intron 12 of the DTNA gene. It is expected to disrupt RNA splicing. Variants that disrupt the donor or acceptor splice site typically lead to a loss of protein function (PMID: 16199547), however the current clinical and genetic evidence is not sufficient to establish whether loss-of-function variants in DTNA cause disease. This variant is not present in population databases (ExAC no frequency). This variant has not been reported in the literature in individuals affected with DTNA-related conditions. Algorithms developed to predict the effect of sequence changes on RNA splicing suggest that this variant may disrupt the consensus splice site. In summary, the available evidence is currently insufficient to determine the role of this variant in disease. Therefore, it has been classified as a Variant of Uncertain Significance.

Literature cited by the submitters: PubMed 16199547.

NM_001386795.1(DTNA):c.1347-2A>T

Gene: DTNA (dystrobrevin alpha; plus strand). Cytogenetic location: 18q12.1.
Variant type: single nucleotide variant.
Coding change: c.1347-2A>T on transcript NM_001386795.1 (MANE Select); the canonical splice acceptor site of the intron before coding-DNA position 1347, A replaced by T.
Molecular consequence: splice acceptor variant. On other transcripts: intron variant (1).
Genome position (GRCh38, 1-based): chr18:34,848,294, A>T. VCF-style: chr18-34848294-A-T. GRCh37 (hg19) VCF-style: chr18-32428258-A-T.
Other names: c.1086-2A>T (NM_001198939.2, NM_001198940.2, NM_001386765.1 and 13 more transcripts); c.1176-2A>T (NM_001386770.1, NM_001386758.1, NM_001386759.1 and 5 more transcripts); c.1347-2A>T (NM_001386788.1); c.1257-2A>T (NM_032978.7); c.1266-2A>T (NM_001390.5, NM_001391.5); c.336-2A>T (NM_001198943.1); c.393-2A>T (NM_001198942.1); c.222-2A>T (NM_001198944.1); and 4 more.
Identifiers: ClinVar variation 1389920 (VCV001389920.6), dbSNP rs2149869841, ClinGen allele CA402173365.